The following is an entry in ClinVar:

ClinVar aggregate classification (germline): Uncertain significance. Review status: criteria provided, multiple submitters, no conflicts (2 of 4 stars). 3 submissions from 3 submitters: Uncertain significance (3). Last evaluated 2024-02-01.

Conditions:
PIK3CA-related disorder. Also called: PIK3CA- related disease; PIK3CA-related condition; PIK3CA-related disorders.
Cowden syndrome (CS). Also called: Cowden's disease; Cowden's syndrome; Cowden disease. Identifiers: Orphanet 201, MedGen C0018553, MONDO:0016063. Disease mechanism: gain of function.
Inborn genetic diseases. Identifiers: MedGen C0950123, MeSH D030342.

Allele frequency attached by ClinVar (database versions not stated): gnomAD exomes 0.00001 and below 0.00001; ExAC 0.00001.
gnomAD v4.1: 20 of 1,611,852 alleles (0.0012%); highest among the groups gnomAD compares: Non-Finnish European, 0.0015%; no homozygotes.

Submissions (3):

Ambry Genetics
Classification: Uncertain significance for Inborn genetic diseases. Last evaluated: 2024-02-01. Review status: criteria provided, single submitter. Criteria: Ambry Variant Classification Scheme 2023. Collection method: clinical testing. Allele origin: germline.
Comment: The p.A333V variant (also known as c.998C>T), located in coding exon 4 of the PIK3CA gene, results from a C to T substitution at nucleotide position 998. The alanine at codon 333 is replaced by valine, an amino acid with similar properties. This amino acid position is conserved. In addition, this alteration is predicted to be tolerated by in silico analysis. Since supporting evidence is limited at this time, the clinical significance of this alteration remains unclear.

Labcorp Genetics (formerly Invitae), Labcorp
Classification: Uncertain significance for Cowden syndrome. Last evaluated: 2023-08-19. Review status: criteria provided, single submitter. Criteria: Invitae Variant Classification Sherloc (09022015). Collection method: clinical testing. Allele origin: germline.
Comment: In summary, the available evidence is currently insufficient to determine the role of this variant in disease. Therefore, it has been classified as a Variant of Uncertain Significance. Advanced modeling of protein sequence and biophysical properties (such as structural, functional, and spatial information, amino acid conservation, physicochemical variation, residue mobility, and thermodynamic stability) has been performed at Invitae for this missense variant, however the output from this modeling did not meet the statistical confidence thresholds required to predict the impact of this variant on PIK3CA protein function. ClinVar contains an entry for this variant (Variation ID: 836035). This variant has not been reported in the literature in individuals affected with PIK3CA-related conditions. This variant is present in population databases (rs759611407, gnomAD 0.0009%). This sequence change replaces alanine, which is neutral and non-polar, with valine, which is neutral and non-polar, at codon 333 of the PIK3CA protein (p.Ala333Val).

PreventionGenetics, part of Exact Sciences
Classification: Uncertain significance for PIK3CA-related condition. Last evaluated: 2022-12-21. Review status: criteria provided, single submitter. Criteria: ACMG Guidelines, 2015. Collection method: clinical testing. Allele origin: germline.
Comment: The PIK3CA c.998C>T variant is predicted to result in the amino acid substitution p.Ala333Val. To our knowledge, this variant has not been reported in the literature. This variant is reported in 0.00088% of alleles in individuals of European (Non-Finnish) descent in gnomAD and interpreted as uncertain in ClinVar. At this time, the clinical significance of this variant is uncertain due to the absence of conclusive functional and genetic evidence.

NM_006218.4(PIK3CA):c.998C>T (p.Ala333Val)

Gene: PIK3CA (phosphatidylinositol-4,5-bisphosphate 3-kinase catalytic subunit alpha; plus strand). Cytogenetic location: 3q26.32.
Variant type: single nucleotide variant.
Coding change: c.998C>T on transcript NM_006218.4 (MANE Select); coding-DNA position 998, C replaced by T.
Protein change: p.Ala333Val; replaces alanine 333 with valine.
Molecular consequence: missense variant.
Genome position (GRCh38, 1-based): chr3:179,203,728, C>T. VCF-style: chr3-179203728-C-T. GRCh37 (hg19) VCF-style: chr3-178921516-C-T.
Other names: c.998C>T (NM_006218.3); short protein forms A333V.
Identifiers: ClinVar variation 836035 (VCV000836035.13), dbSNP rs759611407, ClinGen allele CA2710616.